The following is an entry in ClinVar:

ClinVar aggregate classification (germline): Likely benign (0 of 4 stars; one submission).

Conditions:
HOXD10-related disorder. Also called: HOXD10-related condition.

Allele frequency attached by ClinVar (database versions not stated): TOPMed below 0.00001; ExAC 0.00002; gnomAD exomes 0.00003.
gnomAD v4.1: 38 of 1,613,696 alleles (0.0024%); highest among the groups gnomAD compares: Non-Finnish European, 0.0031%; no homozygotes.

Submission:

PreventionGenetics, part of Exact Sciences
Classification: Likely benign for HOXD10-related condition. Last evaluated: 2019-06-13. Review status: no assertion criteria provided. Collection method: clinical testing. Allele origin: germline.
Comment: This variant is classified as likely benign based on ACMG/AMP sequence variant interpretation guidelines (Richards et al. 2015 PMID: 25741868, with internal and published modifications).

NM_002148.4(HOXD10):c.-5C>G

Gene: HOXD10 (homeobox D10; plus strand). Cytogenetic location: 2q31.1.
Variant type: single nucleotide variant.
Coding change: c.-5C>G on transcript NM_002148.4 (MANE Select); 5 bases upstream of the start codon, C replaced by G.
Molecular consequence: 5 prime UTR variant.
Genome position (GRCh38, 1-based): chr2:176,116,829, C>G. VCF-style: chr2-176116829-C-G. GRCh37 (hg19) VCF-style: chr2-176981557-C-G.
Identifiers: ClinVar variation 3034401 (VCV003034401.2), dbSNP rs770477761, ClinGen allele CA1977217.